The following is an entry in ClinVar:

NM_020937.4(FANCM):c.693A>T (p.Glu231Asp)

Gene: FANCM (FA complementation group M; plus strand). Cytogenetic location: 14q21.2.
Variant type: single nucleotide variant.
Coding change: c.693A>T on transcript NM_020937.4 (MANE Select); coding-DNA position 693, A replaced by T.
Protein change: p.Glu231Asp; replaces glutamic acid 231 with aspartic acid.
Molecular consequence: missense variant. On other transcripts: intron variant (1).
Genome position (GRCh38, 1-based): chr14:45,140,643, A>T. VCF-style: chr14-45140643-A-T. GRCh37 (hg19) VCF-style: chr14-45609846-A-T.
Other names: c.693A>T, p.Glu231Asp (NM_001308134.2); c.681+3402A>T (NM_001308133.2); short protein forms E231D.
Identifiers: ClinVar variation 5036634 (VCV005036634.1).

ClinVar aggregate classification (germline): Uncertain significance (1 of 4 stars; one submission).

Conditions:
Inborn genetic diseases. Identifiers: MedGen C0950123, MeSH D030342.

Submission:

Ambry Genetics
Classification: Uncertain significance for Inborn genetic diseases. Last evaluated: 2026-07-22. Review status: criteria provided, single submitter. Criteria: Ambry Variant Classification Scheme 2023. Collection method: clinical testing. Allele origin: germline.
Comment: The p.E231D variant (also known as c.693A>T), located in coding exon 3 of the FANCM gene, results from an A to T substitution at nucleotide position 693. The glutamic acid at codon 231 is replaced by aspartic acid, an amino acid with highly similar properties. This amino acid position is conserved. In addition, this alteration is predicted to be tolerated by in silico analysis. Based on the available evidence, the clinical significance of this variant remains unclear.